The following is an entry in ClinVar:

NM_017802.4(DNAAF5):c.2491G>A (p.Val831Ile)

Gene: DNAAF5 (dynein axonemal assembly factor 5; plus strand). Cytogenetic location: 7p22.3.
Variant type: single nucleotide variant.
Coding change: c.2491G>A on transcript NM_017802.4 (MANE Select); coding-DNA position 2491, G replaced by A.
Protein change: p.Val831Ile; replaces valine 831 with isoleucine.
Molecular consequence: missense variant. On other transcripts: non-coding transcript variant (1).
Genome position (GRCh38, 1-based): chr7:785,576, G>A. VCF-style: chr7-785576-G-A. GRCh37 (hg19) VCF-style: chr7-825213-G-A.
Other names: short protein forms V831I.
Identifiers: ClinVar variation 2079880 (VCV002079880.2), dbSNP rs369761475, ClinGen allele CA4111227.

ClinVar aggregate classification (germline): Uncertain significance (1 of 4 stars; one submission).

Conditions:
Primary ciliary dyskinesia. Also called: Ciliary dyskinesia. Identifiers: Orphanet 244, MedGen C0008780, MONDO:0016575, HP:0012265.

Allele frequency attached by ClinVar (database versions not stated): gnomAD exomes 0.00001; TOPMed 0.00004; gnomAD 0.00005; ExAC 0.00006; ESP Exome Variant Server 0.00015.
gnomAD v4.1: 27 of 1,613,260 alleles (0.0017%); highest among the groups gnomAD compares: Admixed American, 0.015%; no homozygotes.

Submission:

Labcorp Genetics (formerly Invitae), Labcorp
Classification: Uncertain significance for Primary ciliary dyskinesia. Last evaluated: 2022-08-17. Review status: criteria provided, single submitter. Criteria: Invitae Variant Classification Sherloc (09022015). Collection method: clinical testing. Allele origin: germline.
Comment: This sequence change replaces valine, which is neutral and non-polar, with isoleucine, which is neutral and non-polar, at codon 831 of the DNAAF5 protein (p.Val831Ile). This variant is present in population databases (rs369761475, gnomAD 0.02%). In summary, the available evidence is currently insufficient to determine the role of this variant in disease. Therefore, it has been classified as a Variant of Uncertain Significance. Algorithms developed to predict the effect of missense changes on protein structure and function are either unavailable or do not agree on the potential impact of this missense change (SIFT: "Tolerated"; PolyPhen-2: "Possibly Damaging"; Align-GVGD: "Class C0"). This variant has not been reported in the literature in individuals affected with DNAAF5-related conditions.